The following is an entry in ClinVar:

NM_000218.3(KCNQ1):c.1514+13415T>C

Genes: KCNQ1 (potassium voltage-gated channel subfamily Q member 1; plus strand), KCNQ1OT1 (KCNQ1 opposite strand/antisense transcript 1; minus strand). Cytogenetic location: 11p15.5.
Variant type: single nucleotide variant.
Coding change: c.1514+13415T>C on transcript NM_000218.3 (MANE Select); 13415 bases into the intron after coding-DNA position 1514, T replaced by C.
Molecular consequence: intron variant.
Genome position (GRCh38, 1-based): chr11:2,675,496, T>C. VCF-style: chr11-2675496-T-C. GRCh37 (hg19) VCF-style: chr11-2696726-T-C.
Other names: c.1244+13415T>C (NM_001406837.1); c.1418+13415T>C (NM_001406836.1); c.974+13415T>C (NM_001406838.1); c.1133+13415T>C (NM_181798.2).
Identifiers: ClinVar variation 2578646 (VCV002578646.25), dbSNP rs116980763, ClinGen allele CA216181038.

ClinVar aggregate classification (germline): Likely benign (1 of 4 stars; one submission).

Allele frequency attached by ClinVar (database versions not stated): gnomAD exomes 0.00297; 1000 Genomes Project 30x 0.00312; 1000 Genomes Project 0.00339.
gnomAD v4.1: 790 of 398,666 alleles (0.2%); highest among the groups gnomAD compares: East Asian, 2.4%; 9 homozygotes.

Submission:

CeGaT Center for Human Genetics Tuebingen
Classification: Likely benign. Last evaluated: 2024-02-01. Review status: criteria provided, single submitter. Criteria: CeGaT Center For Human Genetics Tuebingen Variant Classification Criteria Version 2. Collection method: clinical testing. Allele origin: germline. Affected: yes. Observed: 6 variant alleles.
Comment: KCNQ1: BS1; KCNQ1OT1: BS1